The following is an entry in ClinVar:

NM_001370100.5(ZMYND11):c.1475G>A (p.Arg492His)

Genes: ZMYND11 (zinc finger MYND-type containing 11; plus strand), LOC126860802 (BRD4-independent group 4 enhancer GRCh37_chr10:294268-295467; plus strand). Cytogenetic location: 10p15.3.
Variant type: single nucleotide variant.
Coding change: c.1475G>A on transcript NM_001370100.5 (MANE Select); coding-DNA position 1475, G replaced by A.
Protein change: p.Arg492His; replaces arginine 492 with histidine.
Molecular consequence: missense variant. On other transcripts: non-coding transcript variant (1).
Genome position (GRCh38, 1-based): chr10:248,583, G>A. VCF-style: chr10-248583-G-A. GRCh37 (hg19) VCF-style: chr10-294523-G-A.
Other names: c.1313G>A, p.Arg438His (NM_001370106.2, NM_001370107.2, NM_001370108.2 and 6 more transcripts); c.1220G>A, p.Arg407His (NM_001370110.2, NM_001202465.3); c.1310G>A, p.Arg437His (NM_001370111.2, NM_001202466.3); c.1424G>A, p.Arg475His (NM_001370112.2, NM_001330057.3); c.1382G>A, p.Arg461His (NM_001370113.2, NM_001370114.2); c.1472G>A, p.Arg491His (NM_001370115.2, NM_212479.4); c.1475G>A, p.Arg492His (NM_001202468.1, NM_001370097.3, NM_001370098.2 and 4 more transcripts); c.1409G>A, p.Arg470His (NM_001370116.2); and 8 more; short protein forms R335H, R373H, R390H, R398H, R407H, R416H, R437H, R438H.
Identifiers: ClinVar variation 3391197 (VCV003391197.2).

ClinVar aggregate classification (germline): Uncertain significance. Review status: criteria provided, multiple submitters, no conflicts (2 of 4 stars). 2 submissions from 2 submitters: Uncertain significance (2). Last evaluated 2023-12-12.

Conditions:
Intellectual developmental disorder, autosomal dominant 30, with speech delay and behavioral abnormalities. Also called: Intellectual disability, autosomal dominant 30. Identifiers: Orphanet 436151, MedGen C4015167, MONDO:0014486, OMIM 616083.

gnomAD v4.1: 12 of 1,610,948 alleles (0.00074%); highest among the groups gnomAD compares: Middle Eastern, 0.016%; no homozygotes.

Submissions (2):

Blueprint Genetics
Classification: Uncertain significance. Last evaluated: 2023-12-12. Review status: criteria provided, single submitter. Criteria: ACMG Guidelines, 2015. Collection method: clinical testing. Allele origin: germline.

Neuberg Centre For Genomic Medicine, NCGM
Classification: Uncertain significance for Intellectual developmental disorder, autosomal dominant 30, with speech delay and behavioral abnormalities. Review status: criteria provided, single submitter. Criteria: ACMG Guidelines, 2015. Collection method: clinical testing. Allele origin: germline. Inheritance: Autosomal dominant inheritance. Affected: yes.
Comment: The observed missense variant c.1475G>Ap.Arg492His in the ZMYND11 gene has not been reported previously as a pathogenic variant nor as a benign variant, to our knowledge. This variant is reported with the allele frequency 0.0004% in the gnomAD Exomes. The amino acid Arg at position 492 is changed to a His changing protein sequence and it might alter its composition and physico-chemical properties. Multiple lines of computational evidence Polyphen - Damaging and MutationTaster - Disease causing predict a damaging effect on protein structure and function for this variant. The residue is conserved by GERP++ and PhyloP across 100 vertebrates. For these reasons, this variant has been classified as Uncertain Significance.